The following is an entry in ClinVar:

NM_002381.5(MATN3):c.798C>G (p.Asp266Glu)

Genes: MATN3 (matrilin 3; minus strand), WDR35-DT (WDR35 divergent transcript; plus strand). Cytogenetic location: 2p24.1.
Variant type: single nucleotide variant.
Coding change: c.798C>G on transcript NM_002381.5 (MANE Select); coding-DNA position 798, C replaced by G.
Protein change: p.Asp266Glu; replaces aspartic acid 266 with glutamic acid.
Molecular consequence: missense variant.
Genome position (GRCh38, 1-based): chr2:20,003,279, G>C on the plus strand (C>G on the coding strand, the complement: MATN3 is on the minus strand). VCF-style: chr2-20003279-G-C. GRCh37 (hg19) VCF-style: chr2-20203040-G-C.
Other names: c.798C>G (NM_002381.4); short protein forms D266E.
Identifiers: ClinVar variation 3608200 (VCV003608200.3).

ClinVar aggregate classification (germline): Uncertain significance. Review status: criteria provided, multiple submitters, no conflicts (2 of 4 stars). 2 submissions from 2 submitters: Uncertain significance (2). Last evaluated 2025-08-28.

Conditions:
Inborn genetic diseases. Identifiers: MedGen C0950123, MeSH D030342.

gnomAD v4.1: 47 of 1,611,896 alleles (0.0029%); highest among the groups gnomAD compares: Non-Finnish European, 0.0037%; no homozygotes.

Submissions (2):

Ambry Genetics
Classification: Uncertain significance for Inborn genetic diseases. Last evaluated: 2025-08-28. Review status: criteria provided, single submitter. Criteria: Ambry Variant Classification Scheme 2023. Collection method: clinical testing. Allele origin: germline.

Labcorp Genetics (formerly Invitae), Labcorp
Classification: Uncertain significance. Last evaluated: 2025-03-30. Review status: criteria provided, single submitter. Criteria: Invitae Variant Classification Sherloc (09022015). Collection method: clinical testing. Allele origin: germline.
Comment: This sequence change replaces aspartic acid, which is acidic and polar, with glutamic acid, which is acidic and polar, at codon 266 of the MATN3 protein (p.Asp266Glu). This variant is present in population databases (rs765974919, gnomAD 0.002%). This variant has not been reported in the literature in individuals affected with MATN3-related conditions. Invitae Evidence Modeling of protein sequence and biophysical properties (such as structural, functional, and spatial information, amino acid conservation, physicochemical variation, residue mobility, and thermodynamic stability) indicates that this missense variant is not expected to disrupt MATN3 protein function with a negative predictive value of 80%. In summary, the available evidence is currently insufficient to determine the role of this variant in disease. Therefore, it has been classified as a Variant of Uncertain Significance.